The following is an entry in ClinVar:

NM_000219.6(KCNE1):c.128A>C (p.Glu43Ala)

Gene: KCNE1 (potassium voltage-gated channel subfamily E regulatory subunit 1; minus strand). Cytogenetic location: 21q22.12.
Variant type: single nucleotide variant.
Coding change: c.128A>C on transcript NM_000219.6 (MANE Select); coding-DNA position 128, A replaced by C.
Protein change: p.Glu43Ala; replaces glutamic acid 43 with alanine.
Molecular consequence: missense variant.
Genome position (GRCh38, 1-based): chr21:34,449,507, T>G on the plus strand (A>C on the coding strand, the complement: KCNE1 is on the minus strand). VCF-style: chr21-34449507-T-G. GRCh37 (hg19) VCF-style: chr21-35821805-T-G.
Other names: c.128A>C, p.Glu43Ala (NM_001127668.4, NM_001127669.4, NM_001127670.4 and 4 more transcripts); short protein forms E43A.
Identifiers: ClinVar variation 3374118 (VCV003374118.2).

Conditions:
Long QT syndrome 5 (LQT5). Identifiers: Orphanet 101016, Orphanet 768, MedGen C1867904, MONDO:0013372, OMIM 613695.

Submission:

Roden Lab, Vanderbilt University Medical Center
No classification provided (evidence only). Condition: Long QT syndrome 5. Review status: no classification provided. Collection method: in vitro. Allele origin: not applicable. Functional consequence: Effect on ion channel function.
ClinVar note: "not provided" was previously submitted as the classification for the variant. However, the classification appeared to be based only on an observation of functional data so it was converted to no classification on 2025-07-30.